The following is an entry in ClinVar:

NM_003680.4(YARS1):c.978A>C (p.Glu326Asp)

Gene: YARS1 (tyrosyl-tRNA synthetase 1; minus strand). Cytogenetic location: 1p35.1.
Variant type: single nucleotide variant.
Coding change: c.978A>C on transcript NM_003680.4 (MANE Select); coding-DNA position 978, A replaced by C.
Protein change: p.Glu326Asp; replaces glutamic acid 326 with aspartic acid.
Molecular consequence: missense variant.
Genome position (GRCh38, 1-based): chr1:32,782,468, T>G on the plus strand (A>C on the coding strand, the complement: YARS1 is on the minus strand). VCF-style: chr1-32782468-T-G. GRCh37 (hg19) VCF-style: chr1-33248069-T-G.
Other names: short protein forms E326D.
Identifiers: ClinVar variation 1698705 (VCV001698705.3), dbSNP rs1423244532, ClinGen allele CA339683473.

ClinVar aggregate classification (germline): Uncertain significance (1 of 4 stars; one submission).

Conditions:
Charcot-Marie-Tooth disease dominant intermediate C (CMTDIC). Also called: CHARCOT-MARIE-TOOTH NEUROPATHY, DOMINANT INTERMEDIATE C. Identifiers: Orphanet 100045, MedGen C1842237, MONDO:0012012, OMIM 608323.

Submission:

Genetics Laboratory, Department of Biology, Semnan University
Classification: Uncertain significance for Charcot-Marie-Tooth disease dominant intermediate C. Last evaluated: 2020-09-09. Review status: criteria provided, single submitter. Criteria: ACMG Guidelines, 2015. Collection method: case-control. Allele origin: inherited. Inheritance: Autosomal dominant inheritance. Affected: yes. Observed: 1 heterozygote.
Comment: The WES analysis identified a frameshift mutation in the YARS1 gene on chromosome1 (NM_003680.4); chr1:32782468A>C c.A978C:p.E326D. The mutation was predicted to be uncertain significance based on ACMG guidelines. Our review of the public resources, local population database, and the literature revealed that there is no previous publication describing this mutation.